The following is an entry in ClinVar:

ClinVar aggregate classification (germline): Uncertain significance (1 of 4 stars; one submission).

gnomAD v4.1: 5 of 1,612,528 alleles (0.00031%); highest among the groups gnomAD compares: Non-Finnish European, 0.00034%; no homozygotes.

Submission:

Genetic Services Laboratory, University of Chicago
Classification: Uncertain significance. Last evaluated: 2023-01-18. Review status: criteria provided, single submitter. Criteria: ACMG Guidelines, 2015. Collection method: clinical testing. Allele origin: germline. Affected: no.
Comment: DNA sequence analysis of the ABCC8 gene demonstrated a sequence change, c.3430C>T, in exon 28 that results in an amino acid change, p.Arg1144Cys. This sequence change does not appear to have been previously described in individuals with ABCC8-related disorders and has also not been described in population databases such as ExAC and gnomAD. The p.Arg1144Cys change affects a moderately conserved amino acid residue located in a domain of the ABCC8 protein that is known to be functional. The p.Arg1144Cys substitution appears to be deleterious using several in-silico pathogenicity prediction tools (SIFT, PolyPhen2, REVEL). Due to insufficient evidences and the lack of functional studies, the clinical significance of the p.Arg1144Cys change remains unknown at this time.

NM_000352.6(ABCC8):c.3430C>T (p.Arg1144Cys)

Gene: ABCC8 (ATP binding cassette subfamily C member 8; minus strand). Cytogenetic location: 11p15.1.
Variant type: single nucleotide variant.
Coding change: c.3430C>T on transcript NM_000352.6 (MANE Select); coding-DNA position 3430, C replaced by T.
Protein change: p.Arg1144Cys; replaces arginine 1144 with cysteine.
Molecular consequence: missense variant. On other transcripts: non-coding transcript variant (1).
Genome position (GRCh38, 1-based): chr11:17,404,639, G>A on the plus strand (C>T on the coding strand, the complement: ABCC8 is on the minus strand). VCF-style: chr11-17404639-G-A. GRCh37 (hg19) VCF-style: chr11-17426186-G-A.
Other names: c.3433C>T, p.Arg1145Cys (NM_001287174.3); c.3496C>T, p.Arg1166Cys (NM_001351295.2); c.3430C>T, p.Arg1144Cys (NM_001351296.2); c.3427C>T, p.Arg1143Cys (NM_001351297.2); short protein forms R1143C, R1144C, R1145C, R1166C.
Identifiers: ClinVar variation 4082455 (VCV004082455.2).